The following is an entry in ClinVar:

ClinVar aggregate classification (germline): Pathogenic (1 of 4 stars; one submission).

Conditions:
DICER1-related tumor predisposition. Also called: DICER1-related pleuropulmonary blastoma cancer predisposition syndrome; DICER1 syndrome. Identifiers: Orphanet 284343, MedGen C3839822, MONDO:0100216.

Submission:

Foulkes Cancer Genetics LDI, Lady Davis Institute for Medical Research
Classification: Pathogenic for Pleuropulmonary blastoma. Last evaluated: 2019-07-01. Review status: criteria provided, single submitter. Criteria: ACMG Guidelines, 2015. Collection method: curation. Allele origin: germline. Affected: yes. Observed: 1 variant allele.
Comment: ACMG criteria met: PVS1, PM2, PP4

Literature cited by the submitters: PubMed 30260442.

NM_177438.3(DICER1):c.3999C>A (p.Cys1333Ter)

Gene: DICER1 (dicer 1, ribonuclease III; minus strand). Cytogenetic location: 14q32.13.
Variant type: single nucleotide variant.
Coding change: c.3999C>A on transcript NM_177438.3 (MANE Select); coding-DNA position 3999, C replaced by A.
Protein change: p.Cys1333Ter; replaces cysteine 1333 with a stop codon.
Molecular consequence: nonsense.
Genome position (GRCh38, 1-based): chr14:95,103,397, G>T on the plus strand (C>A on the coding strand, the complement: DICER1 is on the minus strand). VCF-style: chr14-95103397-G-T. GRCh37 (hg19) VCF-style: chr14-95569734-G-T.
Other names: c.3999C>A, p.Cys1333Ter (NM_001195573.1, NM_001271282.3, NM_001291628.2 and 1 more transcripts); short protein forms C1333*.
Identifiers: ClinVar variation 933028 (VCV000933028.3), dbSNP rs1891073366, ClinGen allele CA390872989.
Genomic context (GRCh38, chr14:95,103,397, plus strand): 5'-ATCTCTTACCTTTTTGCTTCTCATATATGAAAGGCGGCCCTCATGCGCATCAGGGTAAGT[G>T]CAAAATAGATATGTGGTGATGGCATGCTTTAAAAAGGAGTCGCCAAGCATTTCAAGCCGC-3'